The following is an entry in ClinVar:

NM_000543.5(SMPD1):c.1380del (p.His461fs)

Gene: SMPD1 (sphingomyelin phosphodiesterase 1; plus strand). Cytogenetic location: 11p15.4.
Variant type: Deletion.
Coding change: c.1380del on transcript NM_000543.5 (MANE Select); coding-DNA position 1380, one base deleted (T; older notation c.1380delT).
Protein change: p.His461fs; shifts the reading frame from histidine 461.
Molecular consequence: frameshift variant. On other transcripts: non-coding transcript variant (2).
Genome position (GRCh38, 1-based): chr11:6,393,935, T deleted. VCF-style (leftmost placement, unchanged base first): chr11-6393934-CT-C. GRCh37 (hg19) VCF-style: chr11-6415164-CT-C.
Other names: c.1377del, p.His460fs (NM_001007593.3); c.1380del, p.His461fs (NM_001318087.2); c.459del, p.His154fs (NM_001318088.2); c.1248del, p.His417fs (NM_001365135.2); short protein forms H154fs, H460fs, H417fs, H461fs.
Identifiers: ClinVar variation 969162 (VCV000969162.48), dbSNP rs1848061158, ClinGen allele CA1139661812.
Genomic context (GRCh38, chr11:6,393,934, plus strand): 5'-GAATGTAGTACCTTCTGGCCAGGTATGAGAACACCCTGGCTGCTCAGTTCTTTGGCCACA[CT>C]CATGTGGATGAATTTGAGGTCTTCTATGATGAAGAGACTCTGAGCCGGCCGCTGGCTGTA-3'

ClinVar aggregate classification (germline): Pathogenic. Review status: criteria provided, multiple submitters, no conflicts (2 of 4 stars). 3 submissions from 3 submitters: Pathogenic (2). 1 of the submissions does not count toward it. Last evaluated 2022-04-14.

Conditions:
Niemann-Pick disease, type A. Also called: Infantile Neurovisceral ASMD (Niemann-Pick Disease Type A; NPD-A); SPHINGOMYELIN LIPIDOSIS; SPHINGOMYELINASE DEFICIENCY. Identifiers: Orphanet 77292, MedGen C0268242, MONDO:0009756, OMIM 257200. Disease mechanism: loss of function.
Niemann-Pick disease, type B. Also called: Chronic Visceral ASMD (Niemann-Pick Disease Type B; NPD-B). Identifiers: Orphanet 77293, MedGen C0268243, MONDO:0011871, OMIM 607616. Disease mechanism: loss of function.

Submissions (3):

Labcorp Genetics (formerly Invitae), Labcorp
Classification: Pathogenic for Niemann-Pick disease, type B; Niemann-Pick disease, type A. Last evaluated: 2022-04-14. Review status: criteria provided, single submitter. Criteria: Invitae Variant Classification Sherloc (09022015). Collection method: clinical testing. Allele origin: germline.
Comment: For these reasons, this variant has been classified as Pathogenic. ClinVar contains an entry for this variant (Variation ID: 969162). This premature translational stop signal has been observed in individual(s) with Niemann-Pick disease (PMID: 15221801). This variant is not present in population databases (gnomAD no frequency). This sequence change creates a premature translational stop signal (p.His461Metfs*14) in the SMPD1 gene. It is expected to result in an absent or disrupted protein product. Loss-of-function variants in SMPD1 are known to be pathogenic (PMID: 12369017, 15221801).

CeGaT Center for Human Genetics Tuebingen
Classification: Pathogenic. Last evaluated: 2022-04-01. Review status: criteria provided, single submitter. Criteria: CeGaT Center For Human Genetics Tuebingen Variant Classification Criteria Version 2. Collection method: clinical testing. Allele origin: germline. Affected: yes. Observed: 2 variant alleles.

Natera, Inc.
Classification: Pathogenic for Niemann-Pick Disease, Types A/B. Last evaluated: 2017-03-17. Review status: no assertion criteria provided. Collection method: clinical testing. Allele origin: germline. Not counted in ClinVar's aggregate classification.

Literature cited by the submitters: PubMed 15221801 (cited by Labcorp Genetics (formerly Invitae), Labcorp); PubMed 12369017 (cited by Labcorp Genetics (formerly Invitae), Labcorp).